The following is an entry in ClinVar:

NM_138295.5(PKD1L1):c.2898A>G (p.Ser966=)

Gene: PKD1L1 (polycystin 1 like 1, transient receptor potential channel interacting; minus strand). Cytogenetic location: 7p12.3.
Variant type: single nucleotide variant.
Coding change: c.2898A>G on transcript NM_138295.5 (MANE Select); coding-DNA position 2898, A replaced by G.
Protein change: p.Ser966=; no amino-acid change (serine 966 retained).
Molecular consequence: synonymous variant.
Genome position (GRCh38, 1-based): chr7:47,885,993, T>C on the plus strand (A>G on the coding strand, the complement: PKD1L1 is on the minus strand). VCF-style: chr7-47885993-T-C. GRCh37 (hg19) VCF-style: chr7-47925591-T-C.
Identifiers: ClinVar variation 3356049 (VCV003356049.1).

ClinVar aggregate classification (germline): Likely benign (0 of 4 stars; one submission).

Conditions:
PKD1L1-related disorder. Also called: PKD1L1-related condition.

gnomAD v4.1: 13 of 1,614,218 alleles (0.00081%); highest among the groups gnomAD compares: East Asian, 0.029%; no homozygotes.

Submission:

PreventionGenetics, part of Exact Sciences
Classification: Likely benign for PKD1L1-related condition. Last evaluated: 2024-05-09. Review status: no assertion criteria provided. Collection method: clinical testing. Allele origin: germline.
Comment: This variant is classified as likely benign based on ACMG/AMP sequence variant interpretation guidelines (Richards et al. 2015 PMID: 25741868, with internal and published modifications).